The following is an entry in ClinVar:

ClinVar aggregate classification (germline): Benign/Likely benign. Review status: criteria provided, multiple submitters, no conflicts (2 of 4 stars). 9 submissions from 9 submitters: Benign (2); Likely benign (7). Last evaluated 2026-06-01.

Conditions:
DICER1-related tumor predisposition. Also called: DICER1 syndrome; DICER1-related pleuropulmonary blastoma cancer predisposition syndrome. Identifiers: Orphanet 284343, MedGen C3839822, MONDO:0100216.
Hereditary cancer-predisposing syndrome. Also called: Tumor predisposition; Hereditary neoplastic syndrome; Hereditary Cancer Syndrome; Neoplastic Syndromes, Hereditary. Identifiers: Orphanet 140162, MedGen C0027672, MeSH D009386, MONDO:0015356.

Allele frequency attached by ClinVar (database versions not stated): gnomAD 0.00001; TOPMed 0.00004.
gnomAD v4.1: 38 of 1,613,976 alleles (0.0024%); highest among the groups gnomAD compares: Admixed American, 0.03%; no homozygotes.

Submissions (9):

CeGaT Center for Human Genetics Tuebingen
Classification: Likely benign. Last evaluated: 2026-06-01. Review status: criteria provided, single submitter. Criteria: CeGaT Center For Human Genetics Tuebingen Variant Classification Criteria Version 2. Collection method: clinical testing. Allele origin: germline. Affected: yes. Observed: 3 variant alleles.
Comment: DICER1: BP4, BP7

Myriad Genetics, Inc.
Classification: Benign for DICER1-related tumor predisposition. Last evaluated: 2026-04-20. Review status: criteria provided, single submitter. Criteria: Myriad Autosomal Dominant, Autosomal Recessive and X-Linked Classification Criteria (2023). Collection method: clinical testing. Allele origin: unknown.
Comment: This variant is considered benign. This variant is a silent/synonymous amino acid change and it is not expected to impact splicing.

Labcorp Genetics (formerly Invitae), Labcorp
Classification: Likely benign for DICER1-related tumor predisposition. Last evaluated: 2025-12-17. Review status: criteria provided, single submitter. Criteria: Invitae Variant Classification Sherloc (09022015). Collection method: clinical testing. Allele origin: germline.

Hereditary Cancer Group, L’Institut d'Investigació Biomèdica de Bellvitge
Classification: Likely benign for Hereditary cancer-predisposing syndrome. Last evaluated: 2024-12-19. Review status: criteria provided, single submitter. Criteria: Hatton et al. (Hum Mutat. 2023). Collection method: clinical testing. Allele origin: germline. Inheritance: Autosomal dominant inheritance. Affected: yes.
Comment: BS1, BP4, BP7

ARUP Laboratories, Molecular Genetics and Genomics, ARUP Laboratories
Classification: Likely benign. Last evaluated: 2024-01-26. Review status: criteria provided, single submitter. Criteria: ARUP Molecular Germline Variant Investigation Process 2024. Collection method: clinical testing. Allele origin: germline.

Quest Diagnostics Nichols Institute San Juan Capistrano
Classification: Benign. Last evaluated: 2023-01-31. Review status: criteria provided, single submitter. Criteria: Quest Diagnostics criteria. Collection method: clinical testing. Allele origin: unknown.

Sema4
Classification: Likely benign for Hereditary cancer-predisposing syndrome. Last evaluated: 2020-12-23. Review status: criteria provided, single submitter. Criteria: Sema4 Curation Guidelines. Collection method: curation. Allele origin: germline.

PreventionGenetics, part of Exact Sciences
Classification: Likely benign. Last evaluated: 2018-09-12. Review status: criteria provided, single submitter. Criteria: ACMG Guidelines, 2015. Collection method: clinical testing. Allele origin: germline.

Ambry Genetics
Classification: Likely benign for Hereditary cancer-predisposing syndrome. Last evaluated: 2017-11-24. Review status: criteria provided, single submitter. Criteria: Ambry Variant Classification Scheme 2023. Collection method: clinical testing. Allele origin: germline.

NM_177438.3(DICER1):c.5187G>A (p.Pro1729=)

Gene: DICER1 (dicer 1, ribonuclease III; minus strand). Cytogenetic location: 14q32.13.
Variant type: single nucleotide variant.
Coding change: c.5187G>A on transcript NM_177438.3 (MANE Select); coding-DNA position 5187, G replaced by A.
Protein change: p.Pro1729=; no amino-acid change (proline 1729 retained).
Molecular consequence: synonymous variant.
Genome position (GRCh38, 1-based): chr14:95,094,065, C>T on the plus strand (G>A on the coding strand, the complement: DICER1 is on the minus strand). VCF-style: chr14-95094065-C-T. GRCh37 (hg19) VCF-style: chr14-95560402-C-T.
Other names: c.5187G>A, p.Pro1729= (NM_001195573.1, NM_001271282.3, NM_001291628.2 and 1 more transcripts).
Identifiers: ClinVar variation 417131 (VCV000417131.42), dbSNP rs765113010, ClinGen allele CA7330706.